The following is an entry in ClinVar:

ClinVar aggregate classification (germline): Uncertain significance (1 of 4 stars; one submission).

gnomAD v4.1: 1 of 1,611,558 alleles (0.000062%); highest among the groups gnomAD compares: Non-Finnish European, 0.000085%; no homozygotes.

Submission:

GeneDx
Classification: Uncertain significance. Last evaluated: 2024-04-08. Review status: criteria provided, single submitter. Criteria: GeneDx Variant Classification Process June 2021. Collection method: clinical testing. Allele origin: germline. Affected: yes.
Comment: Nonsense variant predicted to result in protein truncation or nonsense mediated decay in a gene for which loss of function is a known mechanism of disease; Has not been previously published as pathogenic or benign to our knowledge

NM_006421.5(ARFGEF1):c.1924C>T (p.Gln642Ter)

Gene: ARFGEF1 (ARF guanine nucleotide exchange factor 1; minus strand). Cytogenetic location: 8q13.2.
Variant type: single nucleotide variant.
Coding change: c.1924C>T on transcript NM_006421.5 (MANE Select); coding-DNA position 1924, C replaced by T.
Protein change: p.Gln642Ter; replaces glutamine 642 with a stop codon.
Molecular consequence: nonsense. On other transcripts: non-coding transcript variant (1).
Genome position (GRCh38, 1-based): chr8:67,266,205, G>A on the plus strand (C>T on the coding strand, the complement: ARFGEF1 is on the minus strand). VCF-style: chr8-67266205-G-A. GRCh37 (hg19) VCF-style: chr8-68178440-G-A.
Other names: c.1924C>T, p.Gln642Ter (NM_001413184.1, NM_001413185.1, NM_001413186.1 and 7 more transcripts); c.1324C>T, p.Gln442Ter (NM_001413188.1, NM_001413193.1, NM_001413197.1); c.499C>T, p.Gln167Ter (NM_001413196.1); short protein forms Q167*, Q442*, Q642*.
Identifiers: ClinVar variation 3371989 (VCV003371989.1).